The following is an entry in ClinVar:

ClinVar aggregate classification (germline): Uncertain significance (1 of 4 stars; one submission).

Conditions:
Congenital disorder of glycosylation (CDG). Also called: Carbohydrate-deficient glycoprotein syndrome; Congenital disorders of glycosylation. Identifiers: Orphanet 137, MedGen C0282577, MONDO:0015286.

Allele frequency attached by ClinVar (database versions not stated): gnomAD exomes 0.00001 and 0.00003; TOPMed 0.00001; ExAC 0.00002.
gnomAD v4.1: 10 of 1,614,238 alleles (0.00062%); highest among the groups gnomAD compares: East Asian, 0.018%; no homozygotes.

Submission:

Labcorp Genetics (formerly Invitae), Labcorp
Classification: Uncertain significance for Congenital disorder of glycosylation. Last evaluated: 2020-06-01. Review status: criteria provided, single submitter. Criteria: Invitae Variant Classification Sherloc (09022015). Collection method: clinical testing. Allele origin: germline.
Comment: In summary, the available evidence is currently insufficient to determine the role of this variant in disease. Therefore, it has been classified as a Variant of Uncertain Significance. Algorithms developed to predict the effect of missense changes on protein structure and function output the following: SIFT: "Not Available"; PolyPhen-2: "Benign"; Align-GVGD: "Not Available". The glycine amino acid residue is found in multiple mammalian species, suggesting that this missense change does not adversely affect protein function. These predictions have not been confirmed by published functional studies and their clinical significance is uncertain. This variant has not been reported in the literature in individuals with RPN2-related conditions. This variant is present in population databases (rs745748573, ExAC 0.02%). This sequence change replaces serine with glycine at codon 82 of the RPN2 protein (p.Ser82Gly). The serine residue is weakly conserved and there is a small physicochemical difference between serine and glycine.

NM_002951.5(RPN2):c.244A>G (p.Ser82Gly)

Gene: RPN2 (ribophorin II; plus strand). Cytogenetic location: 20q11.23.
Variant type: single nucleotide variant.
Coding change: c.244A>G on transcript NM_002951.5 (MANE Select); coding-DNA position 244, A replaced by G.
Protein change: p.Ser82Gly; replaces serine 82 with glycine.
Molecular consequence: missense variant. On other transcripts: intron variant (2).
Genome position (GRCh38, 1-based): chr20:37,198,433, A>G. VCF-style: chr20-37198433-A-G. GRCh37 (hg19) VCF-style: chr20-35826836-A-G.
Other names: c.244A>G, p.Ser82Gly (NM_001324299.2, NM_001324301.2, NM_001324302.2 and 3 more transcripts); c.208-617A>G (NM_001135771.3); c.9-5452A>G (NM_001324306.2); short protein forms S82G.
Identifiers: ClinVar variation 1025411 (VCV001025411.7), dbSNP rs745748573, ClinGen allele CA9846793.